The following is an entry in ClinVar:

NM_181332.3(NLGN4X):c.2078T>C (p.Phe693Ser)

Gene: NLGN4X (neuroligin 4 X-linked; minus strand). Cytogenetic location: Xp22.32.
Variant type: single nucleotide variant.
Coding change: c.2078T>C on transcript NM_181332.3 (MANE Select); coding-DNA position 2078, T replaced by C.
Protein change: p.Phe693Ser; replaces phenylalanine 693 with serine.
Molecular consequence: missense variant.
Genome position (GRCh38, 1-based): chrX:5,893,190, A>G on the plus strand (T>C on the coding strand, the complement: NLGN4X is on the minus strand). VCF-style: chrX-5893190-A-G. GRCh37 (hg19) VCF-style: chrX-5811231-A-G.
Other names: c.2078T>C, p.Phe693Ser (NM_001282145.2, NM_001282146.2, NM_020742.4); short protein forms F693S.
Identifiers: ClinVar variation 430194 (VCV000430194.2), dbSNP rs1131691825, ClinGen allele CA412013054.
Genomic context (GRCh38, chrX:5,893,190, plus strand): 5'-GGACTGGGGCGCCTGTGAGTCTCATGGCGCCTCTTGTCCTTTTTGTAGTACAGCGCCGCA[A>G]AAGCTAAGATGTTGAGGAAGAGGAGCGACGCCCCGACGGCAATGGTGACACTTAATTCGG-3'
Protein context (NP_851849.1, residues 683-703): ASLLFLNILA[Phe693Ser]AALYYKKDKR

ClinVar aggregate classification (germline): Uncertain significance (1 of 4 stars; one submission).

Submission:

GeneDx
Classification: Uncertain significance. Last evaluated: 2017-05-17. Review status: criteria provided, single submitter. Criteria: GeneDx Variant Classification (06012015). Collection method: clinical testing. Allele origin: germline. Affected: yes.
Comment: The F693S variant in the NLGN4X gene has not been reported previously as a pathogenic variant, nor as a benign variant, to our knowledge. The F693S variant is not observed in large population cohorts (Lek et al., 2016; 1000 Genomes Consortium et al., 2015; Exome Variant Server). The F693S variant is a non-conservative amino acid substitution, which is likely to impact secondary protein structure as these residues differ in polarity, charge, size and/or other properties. This substitution occurs at a position that is conserved across species, and in silico analysis predicts this variant is probably damaging to the protein structure/function. We interpret F693S as a variant of uncertain significance.